The following is an entry in ClinVar:

ClinVar aggregate classification (germline): Conflicting classifications of pathogenicity. Review status: criteria provided, conflicting classifications (1 of 4 stars). 2 submissions from 2 submitters: Uncertain significance (1); Likely benign (1). Last evaluated 2026-05-26.

Conditions:
DICER1-related tumor predisposition. Also called: DICER1 syndrome; DICER1-related pleuropulmonary blastoma cancer predisposition syndrome. Identifiers: Orphanet 284343, MedGen C3839822, MONDO:0100216.
Hereditary cancer-predisposing syndrome. Also called: Tumor predisposition; Hereditary neoplastic syndrome; Neoplastic Syndromes, Hereditary; Hereditary Cancer Syndrome. Identifiers: Orphanet 140162, MedGen C0027672, MeSH D009386, MONDO:0015356.

Submissions (2):

Ambry Genetics
Classification: Uncertain significance for Hereditary cancer-predisposing syndrome. Last evaluated: 2026-05-26. Review status: criteria provided, single submitter. Criteria: Ambry Variant Classification Scheme 2023. Collection method: clinical testing. Allele origin: germline.
Comment: The c.2257-5T>G intronic variant results from a T to G substitution 5 nucleotides upstream from coding exon 14 in the DICER1 gene. This nucleotide position is not well conserved in available vertebrate species. In silico splice site analysis predicts that this alteration will not have any significant effect on splicing. Based on the available evidence, the clinical significance of this variant remains unclear.

Labcorp Genetics (formerly Invitae), Labcorp
Classification: Likely benign for DICER1-related tumor predisposition. Last evaluated: 2023-12-15. Review status: criteria provided, single submitter. Criteria: Invitae Variant Classification Sherloc (09022015). Collection method: clinical testing. Allele origin: germline.

NM_177438.3(DICER1):c.2257-5T>G

Gene: DICER1 (dicer 1, ribonuclease III; minus strand). Cytogenetic location: 14q32.13.
Variant type: single nucleotide variant.
Coding change: c.2257-5T>G on transcript NM_177438.3 (MANE Select); 5 bases into the intron before coding-DNA position 2257, T replaced by G.
Molecular consequence: intron variant.
Genome position (GRCh38, 1-based): chr14:95,108,508, A>C on the plus strand (T>G on the coding strand, the complement: DICER1 is on the minus strand). VCF-style: chr14-95108508-A-C. GRCh37 (hg19) VCF-style: chr14-95574845-A-C.
Other names: c.2257-5T>G (NM_001291628.2, NM_030621.4, NM_001395677.1 and 13 more transcripts); c.1852-5T>G (NM_001395690.1, NM_001395687.1, NM_001395689.1 and 2 more transcripts); c.1975-5T>G (NM_001395686.1); c.1690-5T>G (NM_001395691.1); c.574-5T>G (NM_001395697.1).
Identifiers: ClinVar variation 2703397 (VCV002703397.4), dbSNP rs2542858496, ClinGen allele CA2697554103.
Genomic context (GRCh38, chr14:95,108,508, plus strand): 5'-TACAGGTAACAGGGCTGATCAGGTCTGGGATAACTATCCCTCAAACACTCTGGAATCTAG[A>C]GTTGGAAAGGAAAATTAAGCGTCATGCTCAAGCATATTAGCCTCTTTTCCAGATGTCAGC-3'